The following is an entry in ClinVar:

NM_032634.4(PIGO):c.1156C>T (p.Gln386Ter)

Gene: PIGO (phosphatidylinositol glycan anchor biosynthesis class O; minus strand). Cytogenetic location: 9p13.3.
Variant type: single nucleotide variant.
Coding change: c.1156C>T on transcript NM_032634.4 (MANE Select); coding-DNA position 1156, C replaced by T.
Protein change: p.Gln386Ter; replaces glutamine 386 with a stop codon.
Molecular consequence: nonsense.
Genome position (GRCh38, 1-based): chr9:35,092,731, G>A on the plus strand (C>T on the coding strand, the complement: PIGO is on the minus strand). VCF-style: chr9-35092731-G-A. GRCh37 (hg19) VCF-style: chr9-35092728-G-A.
Other names: c.1156C>T, p.Gln386Ter (NM_001201484.2, NM_152850.4); short protein forms Q386*.
Identifiers: ClinVar variation 4999962 (VCV004999962.1).

ClinVar aggregate classification (germline): Likely pathogenic (1 of 4 stars; one submission).

Conditions:
PIGO-related disorder. Also called: PIGO-related condition.

Submission:

PreventionGenetics, part of Exact Sciences
Classification: Likely pathogenic for PIGO-related condition. Last evaluated: 2025-12-11. Review status: criteria provided, single submitter. Criteria: ACMG Guidelines, 2015. Collection method: clinical testing. Allele origin: germline.
Comment: The PIGO c.1156C>T variant is predicted to result in premature protein termination (p.Gln386*). To our knowledge, this variant has not been reported in the literature or in a large population database (gnomAD), indicating this variant is rare. Nonsense variants in PIGO are expected to be pathogenic. This variant is interpreted as likely pathogenic.